The following is an entry in ClinVar:

ClinVar aggregate classification (germline): Uncertain significance (1 of 4 stars; one submission).

Conditions:
Ataxia-telangiectasia syndrome (AT). Also called: Ataxia telangiectasia (A-T); Cerebello-oculocutaneous telangiectasia; Immunodeficiency with ataxia telangiectasia; AT, COMPLEMENTATION GROUP C; ATAXIA-TELANGIECTASIA, COMPLEMENTATION GROUP A; ATAXIA-TELANGIECTASIA, FRESNO VARIANT. Identifiers: Orphanet 100, MedGen C0004135, MONDO:0008840, OMIM 208900.

Submission:

Labcorp Genetics (formerly Invitae), Labcorp
Classification: Uncertain significance for Ataxia-telangiectasia syndrome. Last evaluated: 2021-12-09. Review status: criteria provided, single submitter. Criteria: Invitae Variant Classification Sherloc (09022015). Collection method: clinical testing. Allele origin: germline.
Comment: ClinVar contains an entry for this variant (Variation ID: 860792). In summary, the available evidence is currently insufficient to determine the role of this variant in disease. Therefore, it has been classified as a Variant of Uncertain Significance. Advanced modeling of protein sequence and biophysical properties (such as structural, functional, and spatial information, amino acid conservation, physicochemical variation, residue mobility, and thermodynamic stability) performed at Invitae indicates that this missense variant is not expected to disrupt ATM protein function. This variant has not been reported in the literature in individuals affected with ATM-related conditions. This variant is not present in population databases (gnomAD no frequency). This sequence change replaces asparagine, which is neutral and polar, with aspartic acid, which is acidic and polar, at codon 1081 of the ATM protein (p.Asn1081Asp).

NM_000051.4(ATM):c.3241A>G (p.Asn1081Asp)

Gene: ATM (ATM serine/threonine kinase; plus strand). Cytogenetic location: 11q22.3.
Variant type: single nucleotide variant.
Coding change: c.3241A>G on transcript NM_000051.4 (MANE Select); coding-DNA position 3241, A replaced by G.
Protein change: p.Asn1081Asp; replaces asparagine 1081 with aspartic acid.
Molecular consequence: missense variant.
Genome position (GRCh38, 1-based): chr11:108,272,809, A>G. VCF-style: chr11-108272809-A-G. GRCh37 (hg19) VCF-style: chr11-108143536-A-G.
Other names: c.3241A>G, p.Asn1081Asp (NM_001351834.2); short protein forms N1081D.
Identifiers: ClinVar variation 860792 (VCV000860792.7), dbSNP rs2081666605, ClinGen allele CA382515991.
Genomic context (GRCh38, chr11:108,272,809, plus strand): 5'-CTTAATGTAATGGGAAAAGACTTTCCTGTAAATGAAGTATTTACACAATTTCTTGCTGAC[A>G]ATCATCACCAAGTTCGCATGTTGGCTGCAGAGTCAATCAATAGGTAATGGGTCAAATATT-3'
Protein context (NP_000042.3, residues 1071-1091): NEVFTQFLAD[Asn1081Asp]HHQVRMLAAE